The following is an entry in ClinVar:

ClinVar aggregate classification (germline): Benign (1 of 4 stars; one submission).

Conditions:
Pheochromocytoma/paraganglioma syndrome 5. Also called: Paragangliomas 5; SDHA-Related Hereditary Paraganglioma-Pheochromocytoma Syndrome. Identifiers: Orphanet 29072, MedGen C3279992, MONDO:0013602, OMIM 614165.

Submission:

Myriad Genetics, Inc.
Classification: Benign for Pheochromocytoma/paraganglioma syndrome 5. Last evaluated: 2025-03-07. Review status: criteria provided, single submitter. Criteria: Myriad Autosomal Dominant, Autosomal Recessive and X-Linked Classification Criteria (2023). Collection method: clinical testing. Allele origin: unknown.
Comment: This variant is considered benign. This variant is a silent/synonymous amino acid change and it is not expected to impact splicing.

NM_004168.4(SDHA):c.1102C>T (p.Leu368=)

Gene: SDHA (succinate dehydrogenase complex flavoprotein subunit A; plus strand). Cytogenetic location: 5p15.33.
Variant type: single nucleotide variant.
Coding change: c.1102C>T on transcript NM_004168.4 (MANE Select); coding-DNA position 1102, C replaced by T.
Protein change: p.Leu368=; no amino-acid change (leucine 368 retained).
Molecular consequence: synonymous variant.
Genome position (GRCh38, 1-based): chr5:235,181, C>T. VCF-style: chr5-235181-C-T. GRCh37 (hg19) VCF-style: chr5-235296-C-T.
Other names: c.958C>T, p.Leu320= (NM_001294332.2); c.1102C>T, p.Leu368= (NM_001330758.2).
Identifiers: ClinVar variation 3904619 (VCV003904619.1).
Genomic context (GRCh38, chr5:235,181, plus strand): 5'-GTGATGGTGTTCTGTCTTACCAGAGGCTGTGGCCCTGAGAAAGATCACGTCTACCTGCAG[C>T]TGCACCACCTACCTCCAGAGCAGCTGGCCACGCGCCTGCCTGGCATTTCAGAGACAGCCA-3'
Protein context (NP_004159.2, residues 358-378): GPEKDHVYLQ[Leu368=]HHLPPEQLAT